The following is an entry in ClinVar:

NM_153704.6(TMEM67):c.1131+145C>T

Gene: TMEM67 (transmembrane protein 67; plus strand). Cytogenetic location: 8q22.1.
Variant type: single nucleotide variant.
Coding change: c.1131+145C>T on transcript NM_153704.6 (MANE Select); 145 bases into the intron after coding-DNA position 1131, C replaced by T.
Molecular consequence: intron variant.
Genome position (GRCh38, 1-based): chr8:93,782,605, C>T. VCF-style: chr8-93782605-C-T. GRCh37 (hg19) VCF-style: chr8-94794833-C-T.
Other names: c.888+145C>T (NM_001142301.1).
Identifiers: ClinVar variation 672290 (VCV000672290.1), dbSNP rs11777011, ClinGen allele CA12842884.

ClinVar aggregate classification (germline): Benign (1 of 4 stars; one submission).

Allele frequency attached by ClinVar (database versions not stated): 1000 Genomes Project 30x 0.01718; 1000 Genomes Project 0.01817; TOPMed 0.02786; gnomAD exomes 0.03374; gnomAD 0.03641 and 0.03682.
gnomAD v4.1: 19,912 of 581,960 alleles (3.4%); highest among the groups gnomAD compares: Non-Finnish European, 4.3%; 481 homozygotes.

Submission:

GeneDx
Classification: Benign. Last evaluated: 2018-06-16. Review status: criteria provided, single submitter. Criteria: GeneDx Variant Classification (06012015). Collection method: clinical testing. Allele origin: germline. Affected: yes.
Comment: This variant is considered likely benign or benign based on one or more of the following criteria: it is a conservative change, it occurs at a poorly conserved position in the protein, it is predicted to be benign by multiple in silico algorithms, and/or has population frequency not consistent with disease.